The following is an entry in ClinVar:

NM_001367561.1(DOCK7):c.2350C>T (p.Pro784Ser)

Gene: DOCK7 (dedicator of cytokinesis 7; minus strand). Cytogenetic location: 1p31.3.
Variant type: single nucleotide variant.
Coding change: c.2350C>T on transcript NM_001367561.1 (MANE Select); coding-DNA position 2350, C replaced by T.
Protein change: p.Pro784Ser; replaces proline 784 with serine.
Molecular consequence: missense variant.
Genome position (GRCh38, 1-based): chr1:62,559,070, G>A on the plus strand (C>T on the coding strand, the complement: DOCK7 is on the minus strand). VCF-style: chr1-62559070-G-A. GRCh37 (hg19) VCF-style: chr1-63024741-G-A.
Other names: c.2350C>T, p.Pro784Ser (NM_001271999.2, NM_001272000.2, NM_001272001.2 and 2 more transcripts); short protein forms P784S.
Identifiers: ClinVar variation 1446043 (VCV001446043.3), dbSNP rs147326785, ClinGen allele CA886301.
Genomic context (GRCh38, chr1:62,559,070, plus strand): 5'-GAGGTCTAATAACTAAAAGTATCAGTTTATCTAGCAGAAGATGAAGAAATCGGACCACTG[G>A]TTCCAGCTGGGATGAATTCAGTGCTGAAATACTGCTCTTCAATTCATTTTCTAAGTTATT-3'
Protein context (NP_001354490.1, residues 774-794): ISALNSSQLE[Pro784Ser]VVRFLHLLLD

ClinVar aggregate classification (germline): Uncertain significance (1 of 4 stars; one submission).

Conditions:
Developmental and epileptic encephalopathy, 23 (DEE23). Also called: Epileptic encephalopathy, early infantile, 23. Identifiers: Orphanet 411986, MedGen C4014492, MONDO:0014371, OMIM 615859.

Allele frequency attached by ClinVar (database versions not stated): gnomAD exomes below 0.00001 and 0.00001; ExAC 0.00001; gnomAD 0.00001; TOPMed 0.00003; ESP Exome Variant Server 0.00008.
gnomAD v4.1: 21 of 1,613,692 alleles (0.0013%); highest among the groups gnomAD compares: Non-Finnish European, 0.0017%; no homozygotes.

Submission:

Labcorp Genetics (formerly Invitae), Labcorp
Classification: Uncertain significance for Developmental and epileptic encephalopathy, 23. Last evaluated: 2021-11-08. Review status: criteria provided, single submitter. Criteria: Invitae Variant Classification Sherloc (09022015). Collection method: clinical testing. Allele origin: germline.
Comment: This sequence change replaces proline, which is neutral and non-polar, with serine, which is neutral and polar, at codon 784 of the DOCK7 protein (p.Pro784Ser). This variant is present in population databases (rs147326785, gnomAD 0.0009%). This variant has not been reported in the literature in individuals affected with DOCK7-related conditions. Algorithms developed to predict the effect of missense changes on protein structure and function are either unavailable or do not agree on the potential impact of this missense change (SIFT: "Deleterious"; PolyPhen-2: "Benign"; Align-GVGD: "Class C0"). In summary, the available evidence is currently insufficient to determine the role of this variant in disease. Therefore, it has been classified as a Variant of Uncertain Significance.